The following is an entry in ClinVar:

ClinVar aggregate classification (germline): Pathogenic/Likely pathogenic. Review status: criteria provided, multiple submitters, no conflicts (2 of 4 stars). 2 submissions from 2 submitters: Pathogenic (1); Likely pathogenic (1). Last evaluated 2026-03-27.

Conditions:
Bardet-Biedl syndrome (BBS). Identifiers: Orphanet 110, MedGen C0752166, MONDO:0015229.

gnomAD v4.1: 2 of 1,613,918 alleles (0.00012%); highest among the groups gnomAD compares: Admixed American, 0.0017%; no homozygotes.

Submissions (2):

Women's Health and Genetics/Laboratory Corporation of America, LabCorp
Classification: Pathogenic for Bardet-Biedl syndrome. Last evaluated: 2026-03-27. Review status: criteria provided, single submitter. Criteria: LabCorp Variant Classification Summary - May 2015. Collection method: clinical testing. Allele origin: germline.
Comment: Variant summary: MKKS c.1186G>T (p.Val396Phe) results in a non-conservative amino acid change in the encoded protein sequence. Algorithms developed to predict the effect of missense changes on protein structure and function all suggest that this variant is likely to be disruptive. The variant allele was found at a frequency of 8e-06 in 251076 control chromosomes (gnomAD). c.1186G>T has been observed in multiple individuals affected with Bardet-Biedl Syndrome (Gonzlez-Del Pozo_2014, Demir_2025). These data indicate that the variant is very likely to be associated with disease. The following publications have been ascertained in the context of this evaluation (PMID: 24689075, 41219488). ClinVar contains an entry for this variant (Variation ID: 3905429). Based on the evidence outlined above, the variant was classified as pathogenic.

CeGaT Center for Human Genetics Tuebingen
Classification: Likely pathogenic. Last evaluated: 2025-06-01. Review status: criteria provided, single submitter. Criteria: CeGaT Center For Human Genetics Tuebingen Variant Classification Criteria Version 2. Collection method: clinical testing. Allele origin: germline. Affected: yes. Observed: 3 variant alleles.
Comment: MKKS: PP1:Strong, PM2, PM3:Supporting

Literature cited by the submitters: PubMed 41219488 (cited by Women's Health and Genetics/Laboratory Corporation of America, LabCorp); PubMed 24689075 (cited by Women's Health and Genetics/Laboratory Corporation of America, LabCorp).

NM_170784.3(MKKS):c.1186G>T (p.Val396Phe)

Gene: MKKS (MKKS centrosomal shuttling protein; minus strand). Cytogenetic location: 20p12.2.
Variant type: single nucleotide variant.
Coding change: c.1186G>T on transcript NM_170784.3 (MANE Select); coding-DNA position 1186, G replaced by T.
Protein change: p.Val396Phe; replaces valine 396 with phenylalanine.
Molecular consequence: missense variant. On other transcripts: non-coding transcript variant (1).
Genome position (GRCh38, 1-based): chr20:10,407,702, C>A on the plus strand (G>T on the coding strand, the complement: MKKS is on the minus strand). VCF-style: chr20-10407702-C-A. GRCh37 (hg19) VCF-style: chr20-10388350-C-A.
Other names: c.1186G>T, p.Val396Phe (NM_018848.3); short protein forms V396F.
Identifiers: ClinVar variation 3905429 (VCV003905429.11).